The following is an entry in ClinVar:

NM_003482.4(KMT2D):c.9710A>C (p.Glu3237Ala)

Gene: KMT2D (lysine methyltransferase 2D; minus strand). Cytogenetic location: 12q13.12.
Variant type: single nucleotide variant.
Coding change: c.9710A>C on transcript NM_003482.4 (MANE Select); coding-DNA position 9710, A replaced by C.
Protein change: p.Glu3237Ala; replaces glutamic acid 3237 with alanine.
Molecular consequence: missense variant.
Genome position (GRCh38, 1-based): chr12:49,037,646, T>G on the plus strand (A>C on the coding strand, the complement: KMT2D is on the minus strand). VCF-style: chr12-49037646-T-G. GRCh37 (hg19) VCF-style: chr12-49431429-T-G.
Other names: short protein forms E3237A.
Identifiers: ClinVar variation 3635128 (VCV003635128.2).
Genomic context (GRCh38, chr12:49,037,646, plus strand): 5'-TTCTCATGCTCCAACAGGTCCTCAATGAGCAGGGGTAACTCGCTGGCTACCAGTGAGCTC[T>G]CCATCTTGTCTAGCTCATCCCCAGATGCTGCAGGTCCACCAGGCAAGGTCAAAGCCCCAC-3'
Protein context (NP_003473.3, residues 3227-3247): AASGDELDKM[Glu3237Ala]SSLVASELPL

ClinVar aggregate classification (germline): Uncertain significance (1 of 4 stars; one submission).

Conditions:
Kabuki syndrome. Also called: NIIKAWA-KUROKI SYNDROME; Kabuki make-up syndrome. Identifiers: Orphanet 2322, MedGen C0796004, MONDO:0016512.

Submission:

Labcorp Genetics (formerly Invitae), Labcorp
Classification: Uncertain significance for Kabuki syndrome. Last evaluated: 2024-07-30. Review status: criteria provided, single submitter. Criteria: Invitae Variant Classification Sherloc (09022015). Collection method: clinical testing. Allele origin: germline.
Comment: This sequence change replaces glutamic acid, which is acidic and polar, with alanine, which is neutral and non-polar, at codon 3237 of the KMT2D protein (p.Glu3237Ala). This variant is not present in population databases (gnomAD no frequency). This variant has not been reported in the literature in individuals affected with KMT2D-related conditions. Advanced modeling of protein sequence and biophysical properties (such as structural, functional, and spatial information, amino acid conservation, physicochemical variation, residue mobility, and thermodynamic stability) performed at Invitae indicates that this missense variant is not expected to disrupt KMT2D protein function with a negative predictive value of 95%. In summary, the available evidence is currently insufficient to determine the role of this variant in disease. Therefore, it has been classified as a Variant of Uncertain Significance.